The following is an entry in ClinVar:

ClinVar aggregate classification (germline): Pathogenic (1 of 4 stars; one submission).

Conditions:
Legius syndrome. Identifiers: Orphanet 137605, MedGen C1969623, MONDO:0012669, OMIM 611431. Disease mechanism: loss of function.

Submission:

Labcorp Genetics (formerly Invitae), Labcorp
Classification: Pathogenic for Legius syndrome. Last evaluated: 2022-05-21. Review status: criteria provided, single submitter. Criteria: Invitae Variant Classification Sherloc (09022015). Collection method: clinical testing. Allele origin: germline.
Comment: For these reasons, this variant has been classified as Pathogenic. This variant disrupts a region of the SPRED1 protein in which other variant(s) (p.Cys418Alafs*6) have been determined to be pathogenic (PMID: 19920235; Invitae). This suggests that this is a clinically significant region of the protein, and that variants that disrupt it are likely to be disease-causing. Variants that disrupt the consensus splice site are a relatively common cause of aberrant splicing (PMID: 17576681, 9536098). Algorithms developed to predict the effect of sequence changes on RNA splicing suggest that this variant may disrupt the consensus splice site. This variant has not been reported in the literature in individuals affected with SPRED1-related conditions. This variant is not present in population databases (gnomAD no frequency). This sequence change affects a donor splice site in intron 6 of the SPRED1 gene. While this variant is not anticipated to result in nonsense mediated decay, it likely alters RNA splicing and results in a disrupted protein product.

Literature cited by the submitters: PubMed 19920235; PubMed 17576681; PubMed 9536098.

NM_152594.3(SPRED1):c.684+1G>T

Gene: SPRED1 (sprouty related EVH1 domain containing 1; plus strand). Cytogenetic location: 15q14.
Variant type: single nucleotide variant.
Coding change: c.684+1G>T on transcript NM_152594.3 (MANE Select); the canonical splice donor site of the intron after coding-DNA position 684, G replaced by T.
Molecular consequence: splice donor variant.
Genome position (GRCh38, 1-based): chr15:38,349,524, G>T. VCF-style: chr15-38349524-G-T. GRCh37 (hg19) VCF-style: chr15-38641725-G-T.
Identifiers: ClinVar variation 1931676 (VCV001931676.5), dbSNP rs752775519, ClinGen allele CA391932997.